The following is an entry in ClinVar:

NM_012280.4(FTSJ1):c.460G>A (p.Val154Met)

Gene: FTSJ1 (FtsJ RNA 2'-O-methyltransferase 1; plus strand). Cytogenetic location: Xp11.23.
Variant type: single nucleotide variant.
Coding change: c.460G>A on transcript NM_012280.4 (MANE Select); coding-DNA position 460, G replaced by A.
Protein change: p.Val154Met; replaces valine 154 with methionine.
Molecular consequence: missense variant.
Genome position (GRCh38, 1-based): chrX:48,481,334, G>A. VCF-style: chrX-48481334-G-A. GRCh37 (hg19) VCF-style: chrX-48339722-G-A.
Other names: c.49G>A, p.Val17Met (NM_001282157.2); c.460G>A, p.Val154Met (NM_177439.3); short protein forms V154M, V17M.
Identifiers: ClinVar variation 2574503 (VCV002574503.1), dbSNP rs2519391169, ClinGen allele CA412855893.

ClinVar aggregate classification (germline): Uncertain significance (1 of 4 stars; one submission).

Submission:

GeneDx
Classification: Uncertain significance. Last evaluated: 2023-01-29. Review status: criteria provided, single submitter. Criteria: GeneDx Variant Classification Process June 2021. Collection method: clinical testing. Allele origin: germline. Affected: yes.
Comment: Not observed at significant frequency in large population cohorts (gnomAD); In silico analysis supports that this missense variant has a deleterious effect on protein structure/function; Has not been previously published as pathogenic or benign to our knowledge